The following is an entry in ClinVar:

ClinVar aggregate classification (germline): Conflicting classifications of pathogenicity. Review status: criteria provided, conflicting classifications (1 of 4 stars). 3 submissions from 3 submitters: Uncertain significance (2); Likely benign (1). Last evaluated 2024-10-29.

Conditions:
Papillary renal cell carcinoma type 1 (RCCP1). Also called: RENAL CELL CARCINOMA, PAPILLARY, 1, SOMATIC; Renal adenocarcinoma; Renal cell carcinoma 1; Renal cell carcinoma, somatic. Identifiers: Orphanet 47044, MedGen C1336839, OMIM 605074, HP:0011797.
Renal cell carcinoma. Identifiers: Orphanet 217071, MedGen C0007134, MeSH D002292, MONDO:0005086, HP:0005584.
Hereditary cancer-predisposing syndrome. Also called: Neoplastic Syndromes, Hereditary; Tumor predisposition; Hereditary neoplastic syndrome; Hereditary Cancer Syndrome. Identifiers: Orphanet 140162, MedGen C0027672, MeSH D009386, MONDO:0015356.

Allele frequency attached by ClinVar (database versions not stated): ExAC 0.00001; gnomAD exomes 0.00001.
gnomAD v4.1: 13 of 1,612,944 alleles (0.00081%); highest among the groups gnomAD compares: South Asian, 0.0088%; no homozygotes.

Submissions (3):

Labcorp Genetics (formerly Invitae), Labcorp
Classification: Uncertain significance for Renal cell carcinoma. Last evaluated: 2024-10-29. Review status: criteria provided, single submitter. Criteria: Invitae Variant Classification Sherloc (09022015). Collection method: clinical testing. Allele origin: germline.
Comment: This sequence change replaces isoleucine, which is neutral and non-polar, with valine, which is neutral and non-polar, at codon 565 of the MET protein (p.Ile565Val). This variant is present in population databases (rs745479104, gnomAD 0.007%). This variant has not been reported in the literature in individuals affected with MET-related conditions. ClinVar contains an entry for this variant (Variation ID: 358686). Invitae Evidence Modeling of protein sequence and biophysical properties (such as structural, functional, and spatial information, amino acid conservation, physicochemical variation, residue mobility, and thermodynamic stability) indicates that this missense variant is not expected to disrupt MET protein function with a negative predictive value of 80%. In summary, the available evidence is currently insufficient to determine the role of this variant in disease. Therefore, it has been classified as a Variant of Uncertain Significance.

Ambry Genetics
Classification: Likely benign for Hereditary cancer-predisposing syndrome. Last evaluated: 2024-05-21. Review status: criteria provided, single submitter. Criteria: Ambry Variant Classification Scheme 2023. Collection method: clinical testing. Allele origin: germline.

Illumina Laboratory Services, Illumina
Classification: Uncertain significance for Papillary renal cell carcinoma type 1. Last evaluated: 2018-01-12. Review status: criteria provided, single submitter. Criteria: ICSL Variant Classification Criteria 13 December 2019. Collection method: clinical testing. Allele origin: germline.

NM_000245.4(MET):c.1693A>G (p.Ile565Val)

Gene: MET (MET proto-oncogene, receptor tyrosine kinase; plus strand). Cytogenetic location: 7q31.2.
Variant type: single nucleotide variant.
Coding change: c.1693A>G on transcript NM_000245.4 (MANE Select); coding-DNA position 1693, A replaced by G.
Protein change: p.Ile565Val; replaces isoleucine 565 with valine.
Molecular consequence: missense variant.
Genome position (GRCh38, 1-based): chr7:116,741,017, A>G. VCF-style: chr7-116741017-A-G. GRCh37 (hg19) VCF-style: chr7-116381071-A-G.
Other names: c.1693A>G, p.Ile565Val (NM_001127500.3, NM_001324401.3); c.403A>G, p.Ile135Val (NM_001324402.2); short protein forms I565V, I135V.
Identifiers: ClinVar variation 358686 (VCV000358686.15), dbSNP rs745479104, ClinGen allele CA4448221.